The following is an entry in ClinVar:

NM_148919.4(PSMB8):c.218C>T (p.Thr73Ile)

Gene: PSMB8 (proteasome 20S subunit beta 8; minus strand). Cytogenetic location: 6p21.32.
Variant type: single nucleotide variant.
Coding change: c.218C>T on transcript NM_148919.4 (MANE Select); coding-DNA position 218, C replaced by T.
Protein change: p.Thr73Ile; replaces threonine 73 with isoleucine.
Molecular consequence: missense variant.
Genome position (GRCh38, 1-based): chr6:32,843,019, G>A on the plus strand (C>T on the coding strand, the complement: PSMB8 is on the minus strand). VCF-style: chr6-32843019-G-A. GRCh37 (hg19) VCF-style: chr6-32810796-G-A.
Other names: c.206C>T, p.Thr69Ile (NM_004159.5); short protein forms T69I, T73I.
Identifiers: ClinVar variation 2757558 (VCV002757558.3), dbSNP rs2483089550, ClinGen allele CA363589468.

ClinVar aggregate classification (germline): Uncertain significance (1 of 4 stars; one submission).

Conditions:
Proteosome-associated autoinflammatory syndrome. Also called: Proteasome-associated autoinflammatory syndrome. Identifiers: Orphanet 324977, MedGen C1850568, MONDO:0009726.

Submission:

Labcorp Genetics (formerly Invitae), Labcorp
Classification: Uncertain significance for Proteosome-associated autoinflammatory syndrome. Last evaluated: 2023-09-03. Review status: criteria provided, single submitter. Criteria: Invitae Variant Classification Sherloc (09022015). Collection method: clinical testing. Allele origin: germline.
Comment: This sequence change replaces threonine, which is neutral and polar, with isoleucine, which is neutral and non-polar, at codon 73 of the PSMB8 protein (p.Thr73Ile). This variant is not present in population databases (gnomAD no frequency). This variant has not been reported in the literature in individuals affected with PSMB8-related conditions. Advanced modeling of protein sequence and biophysical properties (such as structural, functional, and spatial information, amino acid conservation, physicochemical variation, residue mobility, and thermodynamic stability) performed at Invitae indicates that this missense variant is expected to disrupt PSMB8 protein function. In summary, the available evidence is currently insufficient to determine the role of this variant in disease. Therefore, it has been classified as a Variant of Uncertain Significance.